The following is an entry in ClinVar:

NM_000404.4(GLB1):c.487_488del (p.Gly163fs)

Gene: GLB1 (galactosidase beta 1; minus strand). Cytogenetic location: 3p22.3.
Variant type: Deletion.
Coding change: c.487_488del on transcript NM_000404.4 (MANE Select); coding-DNA positions 487 to 488, 2 bases deleted (GG; older notation c.487_488delGG).
Protein change: p.Gly163fs; shifts the reading frame from glycine 163.
Molecular consequence: frameshift variant.
Genome position (GRCh38, 1-based): chr3:33,065,527-33,065,528, CC deleted on the plus strand (GG on the coding strand, the reverse complement: GLB1 is on the minus strand); deleting any 2 consecutive bases within chr3:33,065,527-33,065,529 gives the same sequence; the c. name uses the placement nearest the transcript's 3' end. VCF-style (leftmost placement, unchanged base first): chr3-33065526-TCC-T. GRCh37 (hg19) VCF-style: chr3-33107018-TCC-T.
Other names: c.397_398del, p.Gly133fs (NM_001079811.3); c.275_276del, p.Gly92fs (NM_001135602.3); c.631_632del, p.Gly211fs (NM_001317040.2); c.487_488del, p.Gly163fs (NM_001393580.1); short protein forms G133fs, G163fs, G211fs, G92fs.
Identifiers: ClinVar variation 1725613 (VCV001725613.3), dbSNP rs2471424667, ClinGen allele CA2580069255.

ClinVar aggregate classification (germline): Likely pathogenic (1 of 4 stars; one submission).

Conditions:
GLB1-related disorder. Also called: GLB1-related disorders. Identifiers: MedGen CN377807.

Submission:

Myriad Genetics, Inc.
Classification: Likely pathogenic for GLB1-related disorder. Last evaluated: 2022-03-30. Review status: criteria provided, single submitter. Criteria: Myriad Autosomal Dominant, Autosomal Recessive and X-Linked Classification Criteria (2023). Collection method: clinical testing. Allele origin: unknown.
Comment: NM_000404.2(GLB1):c.487_488delGG(G163Sfs*23) is expected to be pathogenic in the context of GLB1-related disorders. This variant is predicted to lead to an abnormal or absent protein product due to the creation of a premature termination codon in GLB1, a gene where loss-of-function variants are known to be pathogenic. Please note: this variant was assessed in the context of healthy population screening.